The following is an entry in ClinVar:

ClinVar aggregate classification (germline): Likely benign. Review status: criteria provided, multiple submitters, no conflicts (2 of 4 stars). 2 submissions from 2 submitters: Likely benign (2). Last evaluated 2024-03-01.

Conditions:
Dilated cardiomyopathy 1G (CMD1G). Identifiers: Orphanet 154, MedGen C1858763, MONDO:0011400, OMIM 604145.
Autosomal recessive limb-girdle muscular dystrophy type 2J (LGMDR10). Also called: MUSCULAR DYSTROPHY, LIMB-GIRDLE, AUTOSOMAL RECESSIVE 10; Limb-girdle muscular dystrophy, type 2J. Identifiers: Orphanet 140922, MedGen C1837342, MONDO:0012127, OMIM 608807.

Allele frequency attached by ClinVar (database versions not stated): TOPMed below 0.00001; ExAC 0.00001; gnomAD exomes 0.00002.
gnomAD v4.1: 27 of 1,612,018 alleles (0.0017%); highest among the groups gnomAD compares: Middle Eastern, 0.033%; 1 homozygote.

Submissions (2):

Labcorp Genetics (formerly Invitae), Labcorp
Classification: Likely benign for Dilated cardiomyopathy 1G; Autosomal recessive limb-girdle muscular dystrophy type 2J. Last evaluated: 2024-03-01. Review status: criteria provided, single submitter. Criteria: Invitae Variant Classification Sherloc (09022015). Collection method: clinical testing. Allele origin: germline.

GeneDx
Classification: Likely benign. Last evaluated: 2016-07-06. Review status: criteria provided, single submitter. Criteria: GeneDx Variant Classification (06012015). Collection method: clinical testing. Allele origin: germline. Affected: yes.
Comment: This variant is considered likely benign or benign based on one or more of the following criteria: it is a conservative change, it occurs at a poorly conserved position in the protein, it is predicted to be benign by multiple in silico algorithms, and/or has population frequency not consistent with disease.

NM_001267550.2(TTN):c.66463+13G>T

Genes: TTN-AS1 (TTN antisense RNA 1; plus strand), TTN (titin; minus strand). Cytogenetic location: 2q31.2.
Variant type: single nucleotide variant.
Coding change: c.66463+13G>T on transcript NM_001267550.2 (MANE Select); 13 bases into the intron after coding-DNA position 66463, G replaced by T.
Molecular consequence: intron variant.
Genome position (GRCh38, 1-based): chr2:178,581,893, C>A on the plus strand (G>T on the coding strand, the complement: TTN is on the minus strand). VCF-style: chr2-178581893-C-A. GRCh37 (hg19) VCF-style: chr2-179446620-C-A.
Other names: c.39268+13G>T (NM_003319.4); c.39844+13G>T (NM_133437.4); c.39643+13G>T (NM_133432.3); c.58759+13G>T (NM_133378.4); c.61540+13G>T (NM_001256850.1).
Identifiers: ClinVar variation 387475 (VCV000387475.9), dbSNP rs749690571, ClinGen allele CA1991524.